The following is an entry in ClinVar:

ClinVar aggregate classification (germline): Uncertain significance (1 of 4 stars; one submission).

Conditions:
Erythrokeratodermia variabilis et progressiva 1 (EKVP1). Also called: ERYTHROKERATODERMIA FIGURATA, CONGENITAL FAMILIAL, IN PLAQUES; ERYTHROKERATODERMIA VARIABILIS WITH ERYTHEMA GYRATUM REPENS; ERYTHROKERATODERMIA, PROGRESSIVE SYMMETRIC. Identifiers: Orphanet 317, MedGen C4551486, MONDO:0033010, OMIM 133200.
Autosomal recessive nonsyndromic hearing loss 1A (DFNB1A). Also called: GJB6-Related DFNB 1 Nonsyndromic Hearing Loss and Deafness; Connexin 26 deafness; Deafness nonsyndromic, Connexin 26 linked; GJB2-Related Autosomal Recessive Nonsyndromic Hearing Loss; Deafness, autosomal recessive 1A; Nonsyndromic Hearing Loss and Deafness, DFNB1. Identifiers: Orphanet 90636, MedGen C2673759, MONDO:0009076, OMIM 220290.
Autosomal dominant nonsyndromic hearing loss 2B. Also called: DEAFNESS, AUTOSOMAL DOMINANT, WITH OR WITHOUT PERIPHERAL NEUROPATHY. Identifiers: Orphanet 90635, MedGen C2675236, MONDO:0012976, OMIM 612644.

Submission:

Juno Genomics, Hangzhou Juno Genomics, Inc
Classification: Uncertain significance for Autosomal dominant nonsyndromic hearing loss 2B; Autosomal recessive nonsyndromic hearing loss 1A; Erythrokeratodermia variabilis et progressiva 1. Review status: criteria provided, single submitter. Criteria: ACMG Guidelines, 2015. Collection method: clinical testing. Allele origin: germline. Affected: yes.
Comment: Absent from controls (or at extremely low frequency if recessive) in Genome Aggregation Database, Exome Sequencing Project, 1000 Genomes Project, or Exome Aggregation Consortium.;Null variant in a gene where loss of function (LOF) is a known mechanism of disease.

NM_024009.3(GJB3):c.350dup (p.Tyr117Ter)

Gene: GJB3 (gap junction protein beta 3; plus strand). Cytogenetic location: 1p34.3.
Variant type: Duplication.
Coding change: c.350dup on transcript NM_024009.3 (MANE Select); coding-DNA position 350, one base duplicated (A; older notation c.350dupA).
Protein change: p.Tyr117Ter; replaces tyrosine 117 with a stop codon.
Molecular consequence: nonsense.
Genome position (GRCh38, 1-based): chr1:34,785,112, A duplicated. VCF-style (leftmost placement, unchanged base first): chr1-34785111-T-TA. GRCh37 (hg19) VCF-style: chr1-35250712-T-TA.
Other names: c.350dup, p.Tyr117Ter (NM_001005752.2); short protein forms Y117*.
Identifiers: ClinVar variation 3381897 (VCV003381897.2).